The following is an entry in ClinVar:

NM_004656.4(BAP1):c.1217A>T (p.Glu406Val)

Gene: BAP1 (BRCA1 associated deubiquitinase 1; minus strand). Cytogenetic location: 3p21.1.
Variant type: single nucleotide variant.
Coding change: c.1217A>T on transcript NM_004656.4 (MANE Select); coding-DNA position 1217, A replaced by T.
Protein change: p.Glu406Val; replaces glutamic acid 406 with valine.
Molecular consequence: missense variant.
Genome position (GRCh38, 1-based): chr3:52,404,486, T>A on the plus strand (A>T on the coding strand, the complement: BAP1 is on the minus strand). VCF-style: chr3-52404486-T-A. GRCh37 (hg19) VCF-style: chr3-52438502-T-A.
Other names: short protein forms E406V.
Identifiers: ClinVar variation 240043 (VCV000240043.30), dbSNP rs535695655, ClinGen allele CA2436871.

ClinVar aggregate classification (germline): Conflicting classifications of pathogenicity. Review status: criteria provided, conflicting classifications (1 of 4 stars). 10 submissions from 10 submitters: Uncertain significance (7); Benign (1); Likely benign (2). Last evaluated 2025-03-04.

Conditions:
BAP1-related disorder. Also called: BAP1-related condition.
Hereditary cancer-predisposing syndrome. Also called: Neoplastic Syndromes, Hereditary; Hereditary neoplastic syndrome; Hereditary Cancer Syndrome; Tumor predisposition. Identifiers: Orphanet 140162, MedGen C0027672, MeSH D009386, MONDO:0015356.
BAP1-related tumor predisposition syndrome (TPDS1). Also called: COMMON Syndrome; BAP1 tumor predisposition syndrome; TUMOR PREDISPOSITION SYNDROME 1; Tumor susceptibility linked to germline BAP1 mutations. Identifiers: Orphanet 289539, MedGen C3280492, MONDO:0013692, OMIM 614327.

Allele frequency attached by ClinVar (database versions not stated): gnomAD 0.00003; TOPMed 0.00003; 1000 Genomes Project 30x 0.00016; 1000 Genomes Project 0.00020.
gnomAD v4.1: 25 of 1,614,224 alleles (0.0015%); highest among the groups gnomAD compares: East Asian, 0.031%; no homozygotes.

Submissions (12):

Center for Genomic Medicine, Rigshospitalet, Copenhagen University Hospital
Classification: Uncertain significance. Last evaluated: 2025-03-04. Review status: criteria provided, single submitter. Criteria: ACMG Guidelines, 2015. Collection method: clinical testing. Allele origin: germline.

Labcorp Genetics (formerly Invitae), Labcorp
Classification: Uncertain significance for BAP1-related tumor predisposition syndrome. Last evaluated: 2025-02-02. Review status: criteria provided, single submitter. Criteria: Invitae Variant Classification Sherloc (09022015). Collection method: clinical testing. Allele origin: germline.
Comment: This sequence change replaces glutamic acid, which is acidic and polar, with valine, which is neutral and non-polar, at codon 406 of the BAP1 protein (p.Glu406Val). This variant is present in population databases (rs535695655, gnomAD 0.05%). This missense change has been observed in individual(s) with melanoma and breast cancer (PMID: 28062663, 31465090). ClinVar contains an entry for this variant (Variation ID: 240043). Invitae Evidence Modeling of protein sequence and biophysical properties (such as structural, functional, and spatial information, amino acid conservation, physicochemical variation, residue mobility, and thermodynamic stability) indicates that this missense variant is not expected to disrupt BAP1 protein function with a negative predictive value of 80%. RNA analysis performed to evaluate the impact of this missense change on mRNA splicing indicates it does not significantly alter splicing (internal data). In summary, the available evidence is currently insufficient to determine the role of this variant in disease. Therefore, it has been classified as a Variant of Uncertain Significance.

PreventionGenetics, part of Exact Sciences
Classification: Uncertain significance for BAP1-related condition. Last evaluated: 2024-11-24. Review status: criteria provided, single submitter. Criteria: ACMG Guidelines, 2015. Collection method: clinical testing. Allele origin: germline.
Comment: The BAP1 c.1217A>T variant is predicted to result in the amino acid substitution p.Glu406Val. This variant was reported in an individual with metastatic breast cancer (Stuttgen et al. 2019. PubMed ID: 31465090) and in an individual with melanoma (O'Shea et al. 2017. PubMed ID: 28062663). This variant is reported in 0.050% of alleles in individuals of East Asian descent in gnomAD and has conflicting interpretations regarding its pathogenicity in ClinVar, ranging from benign to uncertain. At this time, the clinical significance of this variant is uncertain due to the absence of conclusive functional and genetic evidence.

Myriad Genetics, Inc.
Classification: Likely benign for BAP1-related tumor predisposition syndrome. Last evaluated: 2024-07-15. Review status: criteria provided, single submitter. Criteria: Myriad Autosomal Dominant, Autosomal Recessive and X-Linked Classification Criteria (2023). Collection method: clinical testing. Allele origin: unknown.
Comment: This variant is considered likely benign. This variant has been observed at a population frequency that is significantly greater than expected given the associated disease prevalence and penetrance.

Color Diagnostics, LLC DBA Color Health
Classification: Likely benign for Hereditary cancer-predisposing syndrome. Last evaluated: 2023-08-29. Review status: criteria provided, single submitter. Criteria: ACMG Guidelines, 2015. Collection method: clinical testing. Allele origin: germline.

Baylor Genetics
Classification: Uncertain significance for BAP1-related tumor predisposition syndrome. Last evaluated: 2023-05-14. Review status: criteria provided, single submitter. Criteria: ACMG Guidelines, 2015. Collection method: clinical testing. Allele origin: unknown.

Ambry Genetics
Classification: Benign for Hereditary cancer-predisposing syndrome. Last evaluated: 2023-04-14. Review status: criteria provided, single submitter. Criteria: Ambry Variant Classification Scheme 2023. Collection method: clinical testing. Allele origin: germline.

GeneDx
Classification: Uncertain significance. Last evaluated: 2019-11-21. Review status: criteria provided, single submitter. Criteria: GeneDx Variant Classification Process June 2021. Collection method: clinical testing. Allele origin: germline. Affected: yes.
Comment: In silico analysis, which includes protein predictors and evolutionary conservation, supports that this variant does not alter protein structure/function; Observed in an individual with melanoma (O'Shea 2017); This variant is associated with the following publications: (PMID: 31465090, 28062663)

Fulgent Genetics
Classification: Uncertain significance for BAP1-related tumor predisposition syndrome. Last evaluated: 2018-10-31. Review status: criteria provided, single submitter. Criteria: ACMG Guidelines, 2015. Collection method: clinical testing. Allele origin: unknown.

Mendelics
Classification: Uncertain significance for Tumor susceptibility linked to germline BAP1 mutations. Last evaluated: 2018-07-02. Review status: criteria provided, single submitter. Criteria: Mendelics Assertion Criteria 2017. Collection method: clinical testing. Allele origin: unknown.

Dr. Peter K. Rogan Lab, Western University
No classification provided (evidence only). Condition: Hepatocellular carcinoma. Review status: no classification provided. Collection method: in vitro. Allele origin: not applicable. Functional consequence: retained intron. Not counted in ClinVar's aggregate classification.

Dr. Peter K. Rogan Lab, Western University
No classification provided (evidence only). Condition: Malignant tumor of esophagus. Review status: no classification provided. Collection method: in vitro. Allele origin: not applicable. Functional consequence: retained intron. Not counted in ClinVar's aggregate classification.

Literature cited by the submitters: PubMed 28062663 (cited by 3 submitters); PubMed 31465090 (cited by 3 submitters).